The following is an entry in ClinVar:

ClinVar aggregate classification (germline): Likely benign (0 of 4 stars; one submission).

Conditions:
KIF26B-related disorder. Also called: KIF26B-related condition.

Allele frequency attached by ClinVar (database versions not stated): gnomAD exomes 0.00003; ExAC 0.00011; TOPMed 0.00015; ESP Exome Variant Server 0.00017; gnomAD 0.00023.
gnomAD v4.1: 84 of 1,613,846 alleles (0.0052%); highest among the groups gnomAD compares: African/African-American, 0.048%; no homozygotes.

Submission:

PreventionGenetics, part of Exact Sciences
Classification: Likely benign for KIF26B-related condition. Last evaluated: 2019-06-05. Review status: no assertion criteria provided. Collection method: clinical testing. Allele origin: germline.
Comment: This variant is classified as likely benign based on ACMG/AMP sequence variant interpretation guidelines (Richards et al. 2015 PMID: 25741868, with internal and published modifications).

NM_018012.4(KIF26B):c.1227C>T (p.Ser409=)

Gene: KIF26B (kinesin family member 26B; plus strand). Cytogenetic location: 1q44.
Variant type: single nucleotide variant.
Coding change: c.1227C>T on transcript NM_018012.4 (MANE Select); coding-DNA position 1227, C replaced by T.
Protein change: p.Ser409=; no amino-acid change (serine 409 retained).
Molecular consequence: synonymous variant.
Genome position (GRCh38, 1-based): chr1:245,540,827, C>T. VCF-style: chr1-245540827-C-T. GRCh37 (hg19) VCF-style: chr1-245704129-C-T.
Identifiers: ClinVar variation 3044359 (VCV003044359.2), dbSNP rs372159973, ClinGen allele CA1487649.